The following is an entry in ClinVar:

ClinVar aggregate classification (germline): Uncertain significance (1 of 4 stars; one submission).

Allele frequency attached by ClinVar (database versions not stated): gnomAD 0.00003; TOPMed 0.00002; ExAC 0.00002.
gnomAD v4.1: 20 of 1,614,016 alleles (0.0012%); highest among the groups gnomAD compares: Admixed American, 0.01%; no homozygotes.

Submission:

Labcorp Genetics (formerly Invitae), Labcorp
Classification: Uncertain significance. Last evaluated: 2022-08-21. Review status: criteria provided, single submitter. Criteria: Invitae Variant Classification Sherloc (09022015). Collection method: clinical testing. Allele origin: germline.
Comment: This sequence change replaces proline, which is neutral and non-polar, with alanine, which is neutral and non-polar, at codon 637 of the ARNT2 protein (p.Pro637Ala). This variant is present in population databases (rs542043974, gnomAD 0.01%). This variant has not been reported in the literature in individuals affected with ARNT2-related conditions. Algorithms developed to predict the effect of missense changes on protein structure and function output the following: SIFT: "Tolerated"; PolyPhen-2: "Benign"; Align-GVGD: "Class C0". The alanine amino acid residue is found in multiple mammalian species, which suggests that this missense change does not adversely affect protein function. In summary, the available evidence is currently insufficient to determine the role of this variant in disease. Therefore, it has been classified as a Variant of Uncertain Significance.

NM_014862.4(ARNT2):c.1909C>G (p.Pro637Ala)

Genes: ARNT2 (aryl hydrocarbon receptor nuclear translocator 2; plus strand), ARNT2-AS1 (ARNT2 antisense RNA 1; minus strand). Cytogenetic location: 15q25.1.
Variant type: single nucleotide variant.
Coding change: c.1909C>G on transcript NM_014862.4 (MANE Select); coding-DNA position 1909, C replaced by G.
Protein change: p.Pro637Ala; replaces proline 637 with alanine.
Molecular consequence: missense variant.
Genome position (GRCh38, 1-based): chr15:80,581,395, C>G. VCF-style: chr15-80581395-C-G. GRCh37 (hg19) VCF-style: chr15-80873736-C-G.
Other names: short protein forms P637A.
Identifiers: ClinVar variation 1983045 (VCV001983045.1), dbSNP rs542043974, ClinGen allele CA7692205.